The following is an entry in ClinVar:

ClinVar aggregate classification (germline): Uncertain significance. Review status: criteria provided, multiple submitters, no conflicts (2 of 4 stars). 2 submissions from 2 submitters: Uncertain significance (2). Last evaluated 2026-02-23.

Conditions:
Inborn genetic diseases. Identifiers: MedGen C0950123, MeSH D030342.

Allele frequency attached by ClinVar (database versions not stated): gnomAD exomes below 0.00001.
gnomAD v4.1: 3 of 1,614,176 alleles (0.00019%); highest among the groups gnomAD compares: Admixed American, 0.0017%; no homozygotes.

Submissions (2):

Ambry Genetics
Classification: Uncertain significance for Inborn genetic diseases. Last evaluated: 2026-02-23. Review status: criteria provided, single submitter. Criteria: Ambry Variant Classification Scheme 2023. Collection method: clinical testing. Allele origin: germline.

Labcorp Genetics (formerly Invitae), Labcorp
Classification: Uncertain significance. Last evaluated: 2024-02-23. Review status: criteria provided, single submitter. Criteria: Invitae Variant Classification Sherloc (09022015). Collection method: clinical testing. Allele origin: germline.
Comment: This sequence change replaces tyrosine, which is neutral and polar, with cysteine, which is neutral and slightly polar, at codon 397 of the DEAF1 protein (p.Tyr397Cys). This variant is not present in population databases (gnomAD no frequency). This variant has not been reported in the literature in individuals affected with DEAF1-related conditions. ClinVar contains an entry for this variant (Variation ID: 1399104). Advanced modeling of protein sequence and biophysical properties (such as structural, functional, and spatial information, amino acid conservation, physicochemical variation, residue mobility, and thermodynamic stability) performed at Invitae indicates that this missense variant is not expected to disrupt DEAF1 protein function with a negative predictive value of 95%. In summary, the available evidence is currently insufficient to determine the role of this variant in disease. Therefore, it has been classified as a Variant of Uncertain Significance.

NM_021008.4(DEAF1):c.1190A>G (p.Tyr397Cys)

Gene: DEAF1 (DEAF1 transcription factor; minus strand). Cytogenetic location: 11p15.5.
Variant type: single nucleotide variant.
Coding change: c.1190A>G on transcript NM_021008.4 (MANE Select); coding-DNA position 1190, A replaced by G.
Protein change: p.Tyr397Cys; replaces tyrosine 397 with cysteine.
Molecular consequence: missense variant.
Genome position (GRCh38, 1-based): chr11:678,759, T>C on the plus strand (A>G on the coding strand, the complement: DEAF1 is on the minus strand). VCF-style: chr11-678759-T-C. GRCh37 (hg19) VCF-style: chr11-678759-T-C.
Other names: c.923A>G, p.Tyr308Cys (NM_001293634.2); c.464A>G, p.Tyr155Cys (NM_001367390.1); c.1190A>G (NM_021008.2); short protein forms Y155C, Y308C, Y397C.
Identifiers: ClinVar variation 1399104 (VCV001399104.7), dbSNP rs2133377435, ClinGen allele CA378925463.